The following is an entry in ClinVar:

NM_003283.6(TNNT1):c.795= (p.Arg265=)

Gene: TNNT1 (troponin T1, slow skeletal type; minus strand). Cytogenetic location: 19q13.42.
Variant type: single nucleotide variant.
Coding change: c.795= on transcript NM_003283.6 (MANE Select); coding-DNA position 795, no change from the reference sequence.
Protein change: p.Arg265=; no amino-acid change (arginine 265 retained).
Molecular consequence: no sequence alteration.
Genome position: GRCh38 VCF-style: chr19-55132957-C-C. GRCh37 (hg19) VCF-style: chr19-55644325-A-C.
Other names: c.747=, p.Arg249= (NM_001126132.3); c.714=, p.Arg238= (NM_001126133.3, NM_001291774.2).
Identifiers: ClinVar variation 167736 (VCV000167736.19), dbSNP rs890868.

ClinVar aggregate classification (germline): Benign/Likely benign. Review status: criteria provided, multiple submitters, no conflicts (2 of 4 stars). 5 submissions from 5 submitters: Benign (4); Likely benign (1). Last evaluated 2026-02-04.

Conditions:
Nemaline myopathy 5 (NEM5A). Also called: NEMALINE MYOPATHY 5A, AUTOSOMAL RECESSIVE, SEVERE INFANTILE; NEMALINE MYOPATHY, AMISH TYPE; Nemaline myopathy 5, Amish type. Identifiers: Orphanet 98902, MedGen C1854380, MONDO:0011539, OMIM 605355.

Allele frequency attached by ClinVar (database versions not stated): 1000 Genomes Project 30x 0.98079; TOPMed 0.99131; gnomAD 0.99272 and 0.99361; gnomAD exomes 0.99541.

Submissions (5):

Labcorp Genetics (formerly Invitae), Labcorp
Classification: Benign for Nemaline myopathy 5. Last evaluated: 2026-02-04. Review status: criteria provided, single submitter. Criteria: Invitae Variant Classification Sherloc (09022015). Collection method: clinical testing. Allele origin: germline.

Blueprint Genetics
Classification: Likely benign. Last evaluated: 2024-11-28. Review status: criteria provided, single submitter. Criteria: ACMG Guidelines, 2015. Collection method: clinical testing. Allele origin: germline.

Laboratory for Molecular Medicine, Mass General Brigham Personalized Medicine
Classification: Benign. Last evaluated: 2014-11-26. Review status: criteria provided, single submitter. Criteria: LMM Criteria. Collection method: clinical testing. Allele origin: germline. Observed: 14 variant alleles.
Comment: This is a RefSeq error. The reference base (c.795T) is the minor allele. This al lele (T) has been identified in 8.4% (48/572) of Eastern Asian chromosomes by th e 1000 Genomes Project (dbSNP rs890868) and thus meets criteria to be classified as benign.

Eurofins Ntd Llc (ga)
Classification: Benign. Last evaluated: 2012-09-14. Review status: criteria provided, single submitter. Criteria: EGL Classification Definitions 2015. Collection method: clinical testing. Allele origin: germline. Observed: 2 variant alleles, 2 homozygotes.

Breakthrough Genomics
Classification: Benign. Review status: criteria provided, single submitter. Criteria: ACMG Guidelines, 2015. Collection method: not provided. Allele origin: germline. Inheritance: Autosomal recessive inheritance. Affected: yes.